The following is an entry in ClinVar:

NM_182493.3(MYLK3):c.1498C>T (p.Arg500Trp)

Gene: MYLK3 (myosin light chain kinase 3; minus strand). Cytogenetic location: 16q11.2.
Variant type: single nucleotide variant.
Coding change: c.1498C>T on transcript NM_182493.3 (MANE Select); coding-DNA position 1498, C replaced by T.
Protein change: p.Arg500Trp; replaces arginine 500 with tryptophan.
Molecular consequence: missense variant.
Genome position (GRCh38, 1-based): chr16:46,730,663, G>A on the plus strand (C>T on the coding strand, the complement: MYLK3 is on the minus strand). VCF-style: chr16-46730663-G-A. GRCh37 (hg19) VCF-style: chr16-46764575-G-A.
Other names: c.475C>T, p.Arg159Trp (NM_001308301.1); c.1498C>T (NM_182493.2); short protein forms R159W, R500W.
Identifiers: ClinVar variation 1921736 (VCV001921736.6), dbSNP rs776941985, ClinGen allele CA8037962.
Genomic context (GRCh38, chr16:46,730,663, plus strand): 5'-CTTCGTGCTGGCACACCTCGTAACCCGCAGAGATGGAGGTCTCCTTGACGCTCACTACCC[G>A]GTGTTCAAAAGGAGCTGGTGGGGCCGGACTGTCATCTGCTCAGGAGGCAATAAGGACCTG-3'
Protein context (NP_872299.2, residues 490-510): SPAPPAPFEH[Arg500Trp]VVSVKETSIS

ClinVar aggregate classification (germline): Uncertain significance. Review status: criteria provided, multiple submitters, no conflicts (2 of 4 stars). 2 submissions from 2 submitters: Uncertain significance (2). Last evaluated 2025-10-20.

Allele frequency attached by ClinVar (database versions not stated): TOPMed 0.00001; gnomAD 0.00002; gnomAD exomes 0.00002; ExAC 0.00003.
gnomAD v4.1: 35 of 1,613,824 alleles (0.0022%); highest among the groups gnomAD compares: Non-Finnish European, 0.0014%; no homozygotes.

Submissions (2):

Labcorp Genetics (formerly Invitae), Labcorp
Classification: Uncertain significance. Last evaluated: 2025-10-20. Review status: criteria provided, single submitter. Criteria: Invitae Variant Classification Sherloc (09022015). Collection method: clinical testing. Allele origin: germline.
Comment: This sequence change replaces arginine, which is basic and polar, with tryptophan, which is neutral and slightly polar, at codon 500 of the MYLK3 protein (p.Arg500Trp). This variant is present in population databases (rs776941985, gnomAD 0.05%). This variant has not been reported in the literature in individuals affected with MYLK3-related conditions. ClinVar contains an entry for this variant (Variation ID: 1921736). An algorithm developed to predict the effect of missense changes on protein structure and function (PolyPhen-2) suggests that this variant is likely to be disruptive. Algorithms developed to predict the effect of sequence changes on RNA splicing suggest that this variant may disrupt the consensus splice site. In summary, the available evidence is currently insufficient to determine the role of this variant in disease. Therefore, it has been classified as a Variant of Uncertain Significance.

Ambry Genetics
Classification: Uncertain significance. Last evaluated: 2023-09-22. Review status: criteria provided, single submitter. Criteria: Ambry Variant Classification Scheme 2023. Collection method: clinical testing. Allele origin: germline.